The following is an entry in ClinVar:

ClinVar aggregate classification (germline): Pathogenic (1 of 4 stars; one submission).

Conditions:
Monogenic hearing loss.

Submission:

Genetics Laboratory, Great Ormond Street Hospital NHS Foundation Trust, North Thames Genomic Laboratory Hub
Classification: Pathogenic for Monogenic hearing loss. Last evaluated: 2025-07-28. Review status: criteria provided, single submitter. Criteria: ACGS Best Practice Guidelines for Variant Classification in Rare Disease 2024 v1.2. Collection method: clinical testing. Allele origin: germline. Affected: yes.
Comment: PM2_moderate, PVS1_very-strong

NM_007186.6(CEP250):c.3268dup (p.Gln1090fs)

Gene: CEP250 (centrosomal protein 250; plus strand). Cytogenetic location: 20q11.22.
Variant type: Duplication.
Coding change: c.3268dup on transcript NM_007186.6 (MANE Select); coding-DNA position 3268, one base duplicated (C; older notation c.3268dupC).
Protein change: p.Gln1090fs; shifts the reading frame from glutamine 1090.
Molecular consequence: frameshift variant.
Genome position (GRCh38, 1-based): chr20:35,496,677, C duplicated. VCF-style (leftmost placement, unchanged base first): chr20-35496676-G-GC. GRCh37 (hg19) VCF-style: chr20-34084505-G-GC.
Other names: c.1372dup, p.Gln458fs (NM_001318219.1); short protein forms Q1090fs, Q458fs.
Identifiers: ClinVar variation 4087728 (VCV004087728.1).